The following is an entry in ClinVar:

NM_001666.5(ARHGAP4):c.2533G>A (p.Ala845Thr)

Gene: ARHGAP4 (Rho GTPase activating protein 4; minus strand). Cytogenetic location: Xq28.
Variant type: single nucleotide variant.
Coding change: c.2533G>A on transcript NM_001666.5 (MANE Select); coding-DNA position 2533, G replaced by A.
Protein change: p.Ala845Thr; replaces alanine 845 with threonine.
Molecular consequence: missense variant.
Genome position (GRCh38, 1-based): chrX:153,909,144, C>T on the plus strand (G>A on the coding strand, the complement: ARHGAP4 is on the minus strand). VCF-style: chrX-153909144-C-T. GRCh37 (hg19) VCF-style: chrX-153174598-C-T.
Other names: c.2653G>A, p.Ala885Thr (NM_001164741.2); short protein forms A845T, A885T.
Identifiers: ClinVar variation 2661749 (VCV002661749.24), dbSNP rs2521184491, ClinGen allele CA415116396.

ClinVar aggregate classification (germline): Uncertain significance (1 of 4 stars; one submission).

Allele frequency attached by ClinVar (database versions not stated): gnomAD exomes below 0.00001.
gnomAD v4.1: 1 of 1,210,433 alleles (0.000083%); highest among the groups gnomAD compares: Non-Finnish European, 0.00011%; no homozygotes.

Submission:

CeGaT Center for Human Genetics Tuebingen
Classification: Uncertain significance. Last evaluated: 2022-04-01. Review status: criteria provided, single submitter. Criteria: CeGaT Center For Human Genetics Tuebingen Variant Classification Criteria Version 2. Collection method: clinical testing. Allele origin: germline. Affected: yes. Observed: 1 variant allele.
Comment: ARHGAP4: PM2, BP4